The following is an entry in ClinVar:

ClinVar aggregate classification (germline): Conflicting classifications of pathogenicity. Review status: criteria provided, conflicting classifications (1 of 4 stars). 2 submissions from 2 submitters: Uncertain significance (1); Likely benign (1). Last evaluated 2025-02-07.

Conditions:
Inborn genetic diseases. Identifiers: MedGen C0950123, MeSH D030342.

Allele frequency attached by ClinVar (database versions not stated): gnomAD 0.00004; ExAC 0.00001; gnomAD exomes 0.00001 and 0.00003; TOPMed 0.00008.
gnomAD v4.1: 51 of 1,610,350 alleles (0.0032%); highest among the groups gnomAD compares: African/African-American, 0.015%; no homozygotes.

Submissions (2):

Ambry Genetics
Classification: Likely benign for Inborn genetic diseases. Last evaluated: 2025-02-07. Review status: criteria provided, single submitter. Criteria: Ambry Variant Classification Scheme 2023. Collection method: clinical testing. Allele origin: germline.

GeneDx
Classification: Uncertain significance. Last evaluated: 2024-04-24. Review status: criteria provided, single submitter. Criteria: GeneDx Variant Classification Process June 2021. Collection method: clinical testing. Allele origin: germline.
Comment: In silico analysis supports that this missense variant does not alter protein structure/function; Has not been previously published as pathogenic or benign to our knowledge

NM_198334.3(GANAB):c.398G>A (p.Arg133His)

Gene: GANAB (glucosidase II alpha subunit; minus strand). Cytogenetic location: 11q12.3.
Variant type: single nucleotide variant.
Coding change: c.398G>A on transcript NM_198334.3 (MANE Select); coding-DNA position 398, G replaced by A.
Protein change: p.Arg133His; replaces arginine 133 with histidine.
Molecular consequence: missense variant. On other transcripts: 5 prime UTR variant (2).
Genome position (GRCh38, 1-based): chr11:62,634,983, C>T on the plus strand (G>A on the coding strand, the complement: GANAB is on the minus strand). VCF-style: chr11-62634983-C-T. GRCh37 (hg19) VCF-style: chr11-62402455-C-T.
Other names: c.398G>A (NM_198335.2); c.56G>A, p.Arg19His (NM_001278192.2, NM_001278193.2); c.107G>A, p.Arg36His (NM_001278194.2, NM_001329222.2, NM_001329223.2); c.-379G>A (NM_001329224.2, NM_001329225.2); c.398G>A, p.Arg133His (NM_198335.4); short protein forms R133H, R19H, R36H.
Identifiers: ClinVar variation 1699535 (VCV001699535.4), dbSNP rs765897602, ClinGen allele CA6051105.